The following is an entry in ClinVar:

ClinVar aggregate classification (germline): Likely pathogenic (1 of 4 stars; one submission).

Conditions:
NBN-related disorder. Also called: NBN-related condition.

Submission:

PreventionGenetics, part of Exact Sciences
Classification: Likely pathogenic for NBN-related condition. Last evaluated: 2026-01-26. Review status: criteria provided, single submitter. Criteria: ACMG Guidelines, 2015. Collection method: clinical testing. Allele origin: germline.
Comment: The NBN c.241_242delinsC variant is predicted to result in a frameshift and premature protein termination (p.Glu81Glnfs*11). To our knowledge, this variant has not been reported in the literature or in a large population database (gnomAD), indicating this variant is rare. At the time of reporting, this variant is absent from the ClinVar database. Frameshift variants in NBN are expected to be pathogenic. This variant is interpreted as likely pathogenic.

NM_002485.5(NBN):c.241_242delinsC (p.Glu81fs)

Gene: NBN (nibrin; minus strand). Cytogenetic location: 8q21.3.
Variant type: Indel.
Coding change: c.241_242delinsC on transcript NM_002485.5 (MANE Select); coding-DNA positions 241 to 242, GA replaced by C.
Protein change: p.Glu81fs; shifts the reading frame from glutamic acid 81.
Molecular consequence: frameshift variant. On other transcripts: 5 prime UTR variant (3).
Genome position (GRCh38, 1-based): chr8:89,981,453-89,981,454, TC replaced by G on the plus strand (GA replaced by C on the coding strand, the reverse complement: NBN is on the minus strand). VCF-style: chr8-89981453-TC-G. GRCh37 (hg19) VCF-style: chr8-90993681-TC-G.
Other names: c.-6_-5delinsC (NM_001024688.3, NM_001440379.1, NM_001440380.1); c.241_242delGAinsC, p.Glu81Glnfs (NM_002485.4); short protein forms E81fs.
Identifiers: ClinVar variation 4996563 (VCV004996563.1).